The following is an entry in ClinVar:

ClinVar aggregate classification (germline): Uncertain significance (1 of 4 stars; one submission).

Conditions:
Primary familial hypertrophic cardiomyopathy (HCM). Identifiers: Orphanet 99739, MedGen C0949658, MeSH D024741, MONDO:0024573. Inheritance: Various modes of inheritance.
Dilated cardiomyopathy 1AA (CMD1AA). Also called: CARDIOMYOPATHY, DILATED, 1AA, WITH OR WITHOUT LEFT VENTRICULAR NONCOMPACTION; CARDIOMYOPATHY, FAMILIAL HYPERTROPHIC, 23, WITH OR WITHOUT LEFT VENTRICULAR NONCOMPACTION; Cardiomyopathy, dilated, 1AA, with or without LVNC. Identifiers: Orphanet 154, MedGen C2677338, MONDO:0012808, OMIM 612158.

Allele frequency attached by ClinVar (database versions not stated): gnomAD exomes below 0.00001.
gnomAD v4.1: 1 of 1,613,934 alleles (0.000062%); highest among the groups gnomAD compares: East Asian, 0.0022%; no homozygotes.

Submission:

Labcorp Genetics (formerly Invitae), Labcorp
Classification: Uncertain significance for Primary familial hypertrophic cardiomyopathy; Dilated cardiomyopathy 1AA. Last evaluated: 2023-03-27. Review status: criteria provided, single submitter. Criteria: Invitae Variant Classification Sherloc (09022015). Collection method: clinical testing. Allele origin: germline.
Comment: In summary, the available evidence is currently insufficient to determine the role of this variant in disease. Therefore, it has been classified as a Variant of Uncertain Significance. Advanced modeling of protein sequence and biophysical properties (such as structural, functional, and spatial information, amino acid conservation, physicochemical variation, residue mobility, and thermodynamic stability) performed at Invitae indicates that this missense variant is not expected to disrupt ACTN2 protein function. This variant has not been reported in the literature in individuals affected with ACTN2-related conditions. This variant is not present in population databases (gnomAD no frequency). This sequence change replaces isoleucine, which is neutral and non-polar, with threonine, which is neutral and polar, at codon 586 of the ACTN2 protein (p.Ile586Thr).

NM_001103.4(ACTN2):c.1757T>C (p.Ile586Thr)

Gene: ACTN2 (actinin alpha 2; plus strand). Cytogenetic location: 1q43.
Variant type: single nucleotide variant.
Coding change: c.1757T>C on transcript NM_001103.4 (MANE Select); coding-DNA position 1757, T replaced by C.
Protein change: p.Ile586Thr; replaces isoleucine 586 with threonine.
Molecular consequence: missense variant. On other transcripts: non-coding transcript variant (1).
Genome position (GRCh38, 1-based): chr1:236,751,570, T>C. VCF-style: chr1-236751570-T-C. GRCh37 (hg19) VCF-style: chr1-236914870-T-C.
Other names: c.1757T>C, p.Ile586Thr (NM_001278343.2); c.1133T>C, p.Ile378Thr (NM_001278344.2); c.1007T>C, p.Ile336Thr (NM_001412150.1); short protein forms I378T, I336T, I586T.
Identifiers: ClinVar variation 2945884 (VCV002945884.3), dbSNP rs2527636278, ClinGen allele CA345386011.